The following is an entry in ClinVar:

ClinVar aggregate classification (germline): Conflicting classifications of pathogenicity. Review status: criteria provided, conflicting classifications (1 of 4 stars). 2 submissions from 2 submitters: Uncertain significance (1); Likely benign (1). Last evaluated 2022-05-01.

Allele frequency attached by ClinVar (database versions not stated): gnomAD exomes 0.00002; ExAC 0.00005; gnomAD 0.00009; TOPMed 0.00010; 1000 Genomes Project 30x 0.00016; ESP Exome Variant Server 0.00017; 1000 Genomes Project 0.00020.
gnomAD v4.1: 47 of 1,612,750 alleles (0.0029%); highest among the groups gnomAD compares: African/African-American, 0.037%; no homozygotes.

Submissions (2):

CeGaT Center for Human Genetics Tuebingen
Classification: Likely benign. Last evaluated: 2022-05-01. Review status: criteria provided, single submitter. Criteria: CeGaT Center For Human Genetics Tuebingen Variant Classification Criteria Version 2. Collection method: clinical testing. Allele origin: germline. Affected: yes. Observed: 1 variant allele.
Comment: RO60: BP4

Ambry Genetics
Classification: Uncertain significance. Last evaluated: 2021-10-06. Review status: criteria provided, single submitter. Criteria: Ambry Variant Classification Scheme 2023. Collection method: clinical testing. Allele origin: germline.

NM_001173524.2(RO60):c.1030C>T (p.Arg344Cys)

Gene: RO60 (Ro60, Y RNA binding protein; plus strand). Cytogenetic location: 1q31.2.
Variant type: single nucleotide variant.
Coding change: c.1030C>T on transcript NM_001173524.2 (MANE Select); coding-DNA position 1030, C replaced by T.
Protein change: p.Arg344Cys; replaces arginine 344 with cysteine.
Molecular consequence: missense variant.
Genome position (GRCh38, 1-based): chr1:193,076,994, C>T. VCF-style: chr1-193076994-C-T. GRCh37 (hg19) VCF-style: chr1-193046124-C-T.
Other names: c.1030C>T, p.Arg344Cys (NM_001042369.2, NM_001042370.2, NM_001173525.1 and 1 more transcripts); c.205C>T, p.Arg69Cys (NM_001331020.2); c.1030C>T (NM_001173524.1); short protein forms R344C, R69C.
Identifiers: ClinVar variation 2639671 (VCV002639671.25), dbSNP rs201998409, ClinGen allele CA1302721.
Genomic context (GRCh38, chr1:193,076,994, plus strand): 5'-ATTTTGATCGCATTAGAAACTTACAAGACAGGTCATGGTCTCAGAGGGAAACTGAAGTGG[C>T]GCCCTGATGAAGAAATTTTGAAAGCATTGGATGCTGCTTTTTATAAAACATTTAAGGTAG-3'
Protein context (NP_001166995.1, residues 334-354): GHGLRGKLKW[Arg344Cys]PDEEILKALD